The following is an entry in ClinVar:

ClinVar aggregate classification (germline): Pathogenic (1 of 4 stars; one submission).

Conditions:
Methylmalonic aciduria due to methylmalonyl-CoA mutase deficiency (MAMM). Also called: Methylmalonic aciduria, mut type. Identifiers: Orphanet 27, MedGen C1855114, MONDO:0009612, OMIM 251000.

Submission:

Myriad Genetics, Inc.
Classification: Pathogenic for Methylmalonic aciduria due to methylmalonyl-CoA mutase deficiency. Last evaluated: 2023-09-03. Review status: criteria provided, single submitter. Criteria: Myriad Autosomal Dominant, Autosomal Recessive and X-Linked Classification Criteria (2023). Collection method: clinical testing. Allele origin: unknown.
Comment: NM_000255.3(MMUT):c.865A>T(R289*) is expected to be pathogenic in the context of methylmalonic acidemia, MMUT-related. This variant is predicted to lead to an abnormal or absent protein product due to the creation of a premature termination codon in MMUT, a gene where loss-of-function variants are known to be pathogenic. Please note: this variant was assessed in the context of healthy population screening.

NM_000255.4(MMUT):c.865A>T (p.Arg289Ter)

Gene: MMUT (methylmalonyl-CoA mutase; minus strand). Cytogenetic location: 6p12.3.
Variant type: single nucleotide variant.
Coding change: c.865A>T on transcript NM_000255.4 (MANE Select); coding-DNA position 865, A replaced by T.
Protein change: p.Arg289Ter; replaces arginine 289 with a stop codon.
Molecular consequence: nonsense.
Genome position (GRCh38, 1-based): chr6:49,456,126, T>A on the plus strand (A>T on the coding strand, the complement: MMUT is on the minus strand). VCF-style: chr6-49456126-T-A. GRCh37 (hg19) VCF-style: chr6-49423839-T-A.
Other names: short protein forms R289*.
Identifiers: ClinVar variation 5011555 (VCV005011555.1).
Genomic context (GRCh38, chr6:49,456,126, plus strand): 5'-TTTAATTTACTCACCTTGGTGCAAATTCATCAATTGTCAGGCCAGCCTGGAGTCCAGTTC[T>A]AGAGTACTCCAATCCATCTGCTAAAGTATAGGCCAGCTCCAGAATGGCATCAGCCCCTGC-3'